The following is an entry in ClinVar:

NM_000065.5(C6):c.1656T>A (p.Cys552Ter)

Gene: C6 (complement C6; minus strand). Cytogenetic location: 5p13.1.
Variant type: single nucleotide variant.
Coding change: c.1656T>A on transcript NM_000065.5 (MANE Select); coding-DNA position 1656, T replaced by A.
Protein change: p.Cys552Ter; replaces cysteine 552 with a stop codon.
Molecular consequence: nonsense.
Genome position (GRCh38, 1-based): chr5:41,160,170, A>T on the plus strand (T>A on the coding strand, the complement: C6 is on the minus strand). VCF-style: chr5-41160170-A-T. GRCh37 (hg19) VCF-style: chr5-41160272-A-T.
Other names: c.1656T>A, p.Cys552Ter (NM_001115131.4); short protein forms C552*.
Identifiers: ClinVar variation 4984721 (VCV004984721.1).

ClinVar aggregate classification (germline): Likely pathogenic (1 of 4 stars; one submission).

Conditions:
C6-related disorder. Also called: C6-related condition.

Submission:

PreventionGenetics, part of Exact Sciences
Classification: Likely pathogenic for C6-related condition. Last evaluated: 2025-02-13. Review status: criteria provided, single submitter. Criteria: ACMG Guidelines, 2015. Collection method: clinical testing. Allele origin: germline.
Comment: The C6 c.1656T>A variant is predicted to result in premature protein termination (p.Cys552*). To our knowledge, this variant has not been reported in the literature or in a large population database (gnomAD), indicating this variant is rare. Nonsense variants in C6 are expected to be pathogenic. This variant is interpreted as likely pathogenic.